The following is an entry in ClinVar:

ClinVar aggregate classification (germline): Uncertain significance (1 of 4 stars; one submission).

Conditions:
Usher syndrome type 3B. Also called: USHER SYNDROME, TYPE IIIB. Identifiers: MedGen C3281066, MONDO:0013788, OMIM 614504.

gnomAD v4.1: 2 of 1,585,564 alleles (0.00013%); highest among the groups gnomAD compares: Non-Finnish European, 0.00017%; no homozygotes.

Submission:

Labcorp Genetics (formerly Invitae), Labcorp
Classification: Uncertain significance for Usher syndrome type 3B. Last evaluated: 2025-03-25. Review status: criteria provided, single submitter. Criteria: Invitae Variant Classification Sherloc (09022015). Collection method: clinical testing. Allele origin: germline.
Comment: This sequence change replaces threonine, which is neutral and polar, with alanine, which is neutral and non-polar, at codon 58 of the HARS protein (p.Thr58Ala). This variant is present in population databases (rs750526549, gnomAD 0.0009%). This variant has not been reported in the literature in individuals affected with HARS-related conditions. Invitae Evidence Modeling of protein sequence and biophysical properties (such as structural, functional, and spatial information, amino acid conservation, physicochemical variation, residue mobility, and thermodynamic stability) indicates that this missense variant is not expected to disrupt HARS protein function with a negative predictive value of 80%. In summary, the available evidence is currently insufficient to determine the role of this variant in disease. Therefore, it has been classified as a Variant of Uncertain Significance.

NM_002109.6(HARS1):c.172A>G (p.Thr58Ala)

Gene: HARS1 (histidyl-tRNA synthetase 1; minus strand). Cytogenetic location: 5q31.3.
Variant type: single nucleotide variant.
Coding change: c.172A>G on transcript NM_002109.6 (MANE Select); coding-DNA position 172, A replaced by G.
Protein change: p.Thr58Ala; replaces threonine 58 with alanine.
Molecular consequence: missense variant.
Genome position (GRCh38, 1-based): chr5:140,690,863, T>C on the plus strand (A>G on the coding strand, the complement: HARS1 is on the minus strand). VCF-style: chr5-140690863-T-C. GRCh37 (hg19) VCF-style: chr5-140070448-T-C.
Other names: c.172A>G, p.Thr58Ala (NM_001258040.3, NM_001258041.3, NM_001258042.3 and 2 more transcripts); c.85A>G, p.Thr29Ala (NM_001289094.2); short protein forms T29A, T58A.
Identifiers: ClinVar variation 3684910 (VCV003684910.2).